The following is an entry in ClinVar:

NM_000277.3(PAH):c.659A>C (p.His220Pro)

Gene: PAH (phenylalanine hydroxylase; minus strand). Cytogenetic location: 12q23.2.
Variant type: single nucleotide variant.
Coding change: c.659A>C on transcript NM_000277.3 (MANE Select); coding-DNA position 659, A replaced by C.
Protein change: p.His220Pro; replaces histidine 220 with proline.
Molecular consequence: missense variant.
Genome position (GRCh38, 1-based): chr12:102,855,183, T>G on the plus strand (A>C on the coding strand, the complement: PAH is on the minus strand). VCF-style: chr12-102855183-T-G. GRCh37 (hg19) VCF-style: chr12-103248961-T-G.
Other names: c.659A>C, p.His220Pro (NM_001354304.2); short protein forms H220P.
Identifiers: ClinVar variation 932276 (VCV000932276.1), dbSNP rs1592954413, ClinGen allele CA16020832.

ClinVar aggregate classification (germline): Likely pathogenic (3 of 4 stars; one submission).

Conditions:
Phenylketonuria (PKU). Also called: OLIGOPHRENIA PHENYLPYRUVICA; Phenylketonurias; Phenylketonuria (PKU); FOLLING DISEASE. Identifiers: Orphanet 716, MedGen C0031485, MONDO:0009861, OMIM 261600. Disease mechanism: loss of function.

Submission:

ClinGen PAH Variant Curation Expert Panel
Classification: Likely pathogenic for Phenylketonuria. Last evaluated: 2020-03-08. Review status: reviewed by expert panel. Criteria: ClinGen PAH ACMG Specifications v1. Collection method: curation. Allele origin: germline. Inheritance: Autosomal recessive inheritance.
Comment: The c.659A>C (p.His220Pro) variant in PAH has been reported in 3 individuals with MHP or classic PKU (BH4 deficiency excluded, PMID 26322415 ) detected in trans with pathogenic variant p.R241C in 2 patients (PMID: 30050108). This variant is absent in population databases. Computational evidence is conflicting. In summary, this variant meets criteria to be classified as likely pathogenic for PAH. PAH-specific ACMG/AMP criteria applied: PP4_Moderate, PM2, PM3_strong.

Literature cited by the submitters: PubMed 30050108; PubMed 26322415.